The following is an entry in ClinVar:

ClinVar aggregate classification (germline): Uncertain significance (1 of 4 stars; one submission).

Conditions:
Adenylosuccinate lyase deficiency (ADSLD). Also called: ADSL DEFICIENCY. Identifiers: Orphanet 46, MedGen C0268126, MONDO:0007068, OMIM 103050.

Submission:

Labcorp Genetics (formerly Invitae), Labcorp
Classification: Uncertain significance for Adenylosuccinate lyase deficiency. Last evaluated: 2024-04-16. Review status: criteria provided, single submitter. Criteria: Invitae Variant Classification Sherloc (09022015). Collection method: clinical testing. Allele origin: germline.
Comment: This variant occurs in a non-coding region of the ADSL gene. It does not change the encoded amino acid sequence of the ADSL protein. This variant is not present in population databases (gnomAD no frequency). This variant has not been reported in the literature in individuals affected with ADSL-related conditions. Experimental studies and prediction algorithms are not available or were not evaluated, and the functional significance of this variant is currently unknown. In summary, the available evidence is currently insufficient to determine the role of this variant in disease. Therefore, it has been classified as a Variant of Uncertain Significance.

NC_000022.11:g.40345917A>C

Gene: ADSL (adenylosuccinate lyase; plus strand). Cytogenetic location: 22q13.1.
Variant type: single nucleotide variant.
Genome position: GRCh38 VCF-style: chr22-40345917-A-C. GRCh37 (hg19) VCF-style: chr22-40741921-A-C.
Identifiers: ClinVar variation 1947582 (VCV001947582.6), dbSNP rs2518074918, ClinGen allele CA2580099824.